The following is an entry in ClinVar:

ClinVar aggregate classification (germline): Likely pathogenic (1 of 4 stars; one submission).

Conditions:
Intellectual disability, autosomal dominant 9 (NESCAVS). Also called: NESCAV SYNDROME; KIF1A-Related Neurodevelopmental Disorder. Identifiers: Orphanet 662367, MedGen C5393830, MONDO:0013656, OMIM 614255.

Submission:

SIB Swiss Institute of Bioinformatics
Classification: Likely pathogenic for Intellectual disability, autosomal dominant 9. Last evaluated: 2020-06-15. Review status: criteria provided, single submitter. Criteria: ACMG Guidelines, 2015. Collection method: curation. Allele origin: unknown.
Comment: This variant is interpreted as likely pathogenic for NESCAV syndrome, autosomal dominant. The following ACMG Tag(s) were applied: Absent from controls (or at extremely low frequency if recessive) in Exome Sequencing Project, 1000 Genomes Project, or Exome Aggregation Consortium (PM2); Assumed de novo, but no confirmation of paternity and maternity (PM6); Missense variant in a gene that has a low rate of benign missense variation and in which missense variants are a common mechanism of disease (PP2); Multiple lines of computational evidence support a deleterious effect on the gene or gene product (PP3).

Literature cited by the submitters: PubMed 32096284.

NM_001244008.2(KIF1A):c.967T>C (p.Ser323Pro)

Gene: KIF1A (kinesin family member 1A; minus strand). Cytogenetic location: 2q37.3.
Variant type: single nucleotide variant.
Coding change: c.967T>C on transcript NM_001244008.2 (MANE Select); coding-DNA position 967, T replaced by C.
Protein change: p.Ser323Pro; replaces serine 323 with proline.
Molecular consequence: missense variant.
Genome position (GRCh38, 1-based): chr2:240,774,253, A>G on the plus strand (T>C on the coding strand, the complement: KIF1A is on the minus strand). VCF-style: chr2-240774253-A-G. GRCh37 (hg19) VCF-style: chr2-241713670-A-G.
Other names: c.967T>C, p.Ser323Pro (NM_001320705.2, NM_001330289.2, NM_001330290.2 and 20 more transcripts); short protein forms S323P.
Identifiers: ClinVar variation 974922 (VCV000974922.1), dbSNP rs2052422975, ClinGen allele CA351296983.
Genomic context (GRCh38, chr2:240,774,253, plus strand): 5'-TAAGGGTCTCATCGTAGTTGATGTCTGCAGGACTCAAGGCTGCCACCATAGCTGTCCTTG[A>G]GTTACCGCCTGTGGGAAGAAGACCAGGTTGTGCCCAGAGGGGGATCTAGGCCCCAGGGCT-3'
Protein context (NP_001230937.1, residues 313-333): WLLRENLGGN[Ser323Pro]RTAMVAALSP